The following is an entry in ClinVar:

NM_001083619.3(GRIA2):c.2059G>T (p.Val687Leu)

Gene: GRIA2 (glutamate ionotropic receptor AMPA type subunit 2; plus strand). Cytogenetic location: 4q32.1.
Variant type: single nucleotide variant.
Coding change: c.2059G>T on transcript NM_001083619.3 (MANE Select); coding-DNA position 2059, G replaced by T.
Protein change: p.Val687Leu; replaces valine 687 with leucine.
Molecular consequence: missense variant.
Genome position (GRCh38, 1-based): chr4:157,359,911, G>T. VCF-style: chr4-157359911-G-T. GRCh37 (hg19) VCF-style: chr4-158281063-G-T.
Other names: c.2059G>T, p.Val687Leu (NM_000826.6); c.1918G>T, p.Val640Leu (NM_001083620.3, NM_001379000.3, NM_001379001.3); short protein forms V640L, V687L.
Identifiers: ClinVar variation 2626929 (VCV002626929.1), dbSNP rs1325497888, ClinGen allele CA358649795.

ClinVar aggregate classification (germline): Uncertain significance (1 of 4 stars; one submission).

Submission:

Greenwood Genetic Center Diagnostic Laboratories, Greenwood Genetic Center
Classification: Uncertain significance. Last evaluated: 2023-09-08. Review status: criteria provided, single submitter. Criteria: ACMG Guidelines, 2015. Collection method: clinical testing. Allele origin: germline. Affected: yes.
Comment: PM2, PP2